The following is an entry in ClinVar:

ClinVar aggregate classification (germline): Uncertain significance (1 of 4 stars; one submission).

Conditions:
Autosomal recessive limb-girdle muscular dystrophy type 2J (LGMDR10). Also called: Limb-girdle muscular dystrophy, type 2J; MUSCULAR DYSTROPHY, LIMB-GIRDLE, AUTOSOMAL RECESSIVE 10. Identifiers: Orphanet 140922, MedGen C1837342, MONDO:0012127, OMIM 608807.
Dilated cardiomyopathy 1G (CMD1G). Identifiers: Orphanet 154, MedGen C1858763, MONDO:0011400, OMIM 604145.

Submission:

Labcorp Genetics (formerly Invitae), Labcorp
Classification: Uncertain significance for Dilated cardiomyopathy 1G; Autosomal recessive limb-girdle muscular dystrophy type 2J. Last evaluated: 2026-01-14. Review status: criteria provided, single submitter. Criteria: Invitae Variant Classification Sherloc (09022015). Collection method: clinical testing. Allele origin: germline.
Comment: This sequence change falls in intron 56 of the TTN gene. It does not directly change the encoded amino acid sequence of the TTN protein. It affects a nucleotide within the consensus splice site. This variant is not present in population databases (gnomAD no frequency). This variant has not been reported in the literature in individuals affected with TTN-related conditions. Variants that disrupt the consensus splice site are a relatively common cause of aberrant splicing (PMID: 17576681, 9536098). Algorithms developed to predict the effect of sequence changes on RNA splicing suggest that this variant may disrupt the consensus splice site. This variant is located in the I band of TTN (PMID: 25589632). Non-truncating variants in this region may be clinically relevant, but have not been definitively shown to cause cardiomyopathy or neuromuscular disease (PMID: 27493940, 32778822). In summary, the available evidence is currently insufficient to determine the role of this variant in disease. Therefore, it has been classified as a Variant of Uncertain Significance.

Literature cited by the submitters: PubMed 17576681; PubMed 9536098; PubMed 25589632; PubMed 27493940; PubMed 32778822.

NM_001267550.2(TTN):c.16621+5G>T

Gene: TTN (titin; minus strand). Cytogenetic location: 2q31.2.
Variant type: single nucleotide variant.
Coding change: c.16621+5G>T on transcript NM_001267550.2 (MANE Select); 5 bases into the intron after coding-DNA position 16621, G replaced by T.
Molecular consequence: intron variant.
Genome position (GRCh38, 1-based): chr2:178,732,435, C>A on the plus strand (G>T on the coding strand, the complement: TTN is on the minus strand). VCF-style: chr2-178732435-C-A. GRCh37 (hg19) VCF-style: chr2-179597162-C-A.
Other names: c.13282+5647G>T (NM_003319.4); c.13858+5647G>T (NM_133437.4); c.13657+5647G>T (NM_133432.3); c.12889+5G>T (NM_133378.4); c.15670+5G>T (NM_001256850.1).
Identifiers: ClinVar variation 4790066 (VCV004790066.1).